The following is an entry in ClinVar:

NM_001242957.3(MAK):c.169_172del (p.Leu57fs)

Gene: MAK (male germ cell associated kinase; minus strand). Cytogenetic location: 6p24.2.
Variant type: Deletion.
Coding change: c.169_172del on transcript NM_001242957.3 (MANE Select); coding-DNA positions 169 to 172, 4 bases deleted (CTTA; older notation c.169_172delCTTA).
Protein change: p.Leu57fs; shifts the reading frame from leucine 57.
Molecular consequence: frameshift variant. On other transcripts: non-coding transcript variant (2).
Genome position (GRCh38, 1-based): chr6:10,817,956-10,817,959, TAAG deleted on the plus strand (CTTA on the coding strand, the reverse complement: MAK is on the minus strand); deleting any 4 consecutive bases within chr6:10,817,956-10,817,960 gives the same sequence; the c. name uses the placement nearest the transcript's 3' end. VCF-style (leftmost placement, unchanged base first): chr6-10817955-TTAAG-T. GRCh37 (hg19) VCF-style: chr6-10818188-TTAAG-T.
Other names: c.169_172del, p.Leu57fs (NM_001242385.2, NM_005906.6); c.67_70del, p.Leu23fs (NM_001377262.1); short protein forms L57fs, L23fs.
Identifiers: ClinVar variation 3011542 (VCV003011542.5), dbSNP rs1274912017, ClinGen allele CA565388977.

ClinVar aggregate classification (germline): Pathogenic/Likely pathogenic. Review status: criteria provided, multiple submitters, no conflicts (2 of 4 stars). 2 submissions from 2 submitters: Pathogenic (1); Likely pathogenic (1). Last evaluated 2024-05-24.

Conditions:
MAK-related disorders.

Submissions (2):

Labcorp Genetics (formerly Invitae), Labcorp
Classification: Pathogenic. Last evaluated: 2024-05-24. Review status: criteria provided, single submitter. Criteria: Invitae Variant Classification Sherloc (09022015). Collection method: clinical testing. Allele origin: germline.
Comment: This sequence change creates a premature translational stop signal (p.Leu57Ilefs*8) in the MAK gene. It is expected to result in an absent or disrupted protein product. Loss-of-function variants in MAK are known to be pathogenic (PMID: 21148103, 21825139, 24938718, 29781741). This variant is present in population databases (no rsID available, gnomAD 0.02%). This variant has not been reported in the literature in individuals affected with MAK-related conditions. For these reasons, this variant has been classified as Pathogenic.

Blueprint Genetics
Classification: Likely pathogenic for MAK-related disorders. Last evaluated: 2023-09-14. Review status: criteria provided, single submitter. Criteria: ACMG Guidelines, 2015. Collection method: clinical testing. Allele origin: germline. Affected: yes. Observed: 3 variant alleles.

Literature cited by the submitters: PubMed 21148103 (cited by Labcorp Genetics (formerly Invitae), Labcorp); PubMed 21825139 (cited by Labcorp Genetics (formerly Invitae), Labcorp); PubMed 24938718 (cited by Labcorp Genetics (formerly Invitae), Labcorp); PubMed 29781741 (cited by Labcorp Genetics (formerly Invitae), Labcorp).